The following is an entry in ClinVar:

ClinVar aggregate classification (germline): Uncertain significance (1 of 4 stars; one submission).

Conditions:
Acute myeloid leukemia (AML). Also called: Acute myeloid leukemia, adult; AML adult; Acute non-lymphocytic leukemia; Acute granulocytic leukemia; Leukemia, acute myeloid, somatic; Leukemia, acute myelogenous, somatic. Identifiers: Orphanet 519, MedGen C0023467, MeSH D015470, MONDO:0018874, OMIM 601626, HP:0004808. Disease mechanism: Constitutively activated FLT3.

Submission:

Labcorp Genetics (formerly Invitae), Labcorp
Classification: Uncertain significance for Acute myeloid leukemia. Last evaluated: 2024-04-08. Review status: criteria provided, single submitter. Criteria: Invitae Variant Classification Sherloc (09022015). Collection method: clinical testing. Allele origin: germline.
Comment: This sequence change replaces alanine, which is neutral and non-polar, with serine, which is neutral and polar, at codon 48 of the CEBPA protein (p.Ala48Ser). This variant is not present in population databases (gnomAD no frequency). This variant has not been reported in the literature in individuals affected with CEBPA-related conditions. Advanced modeling of protein sequence and biophysical properties (such as structural, functional, and spatial information, amino acid conservation, physicochemical variation, residue mobility, and thermodynamic stability) performed at Invitae indicates that this missense variant is not expected to disrupt CEBPA protein function with a negative predictive value of 80%. In summary, the available evidence is currently insufficient to determine the role of this variant in disease. Therefore, it has been classified as a Variant of Uncertain Significance.

NM_004364.5(CEBPA):c.142G>T (p.Ala48Ser)

Gene: CEBPA (CCAAT enhancer binding protein alpha; minus strand). Cytogenetic location: 19q13.11.
Variant type: single nucleotide variant.
Coding change: c.142G>T on transcript NM_004364.5 (MANE Select); coding-DNA position 142, G replaced by T.
Protein change: p.Ala48Ser; replaces alanine 48 with serine.
Molecular consequence: missense variant. On other transcripts: 5 prime UTR variant (1).
Genome position (GRCh38, 1-based): chr19:33,302,273, C>A on the plus strand (G>T on the coding strand, the complement: CEBPA is on the minus strand). VCF-style: chr19-33302273-C-A. GRCh37 (hg19) VCF-style: chr19-33793179-C-A.
Other names: c.-216G>T (NM_001285829.2); c.247G>T, p.Ala83Ser (NM_001287424.2); c.100G>T, p.Ala34Ser (NM_001287435.2); short protein forms A83S, A34S, A48S.
Identifiers: ClinVar variation 2721493 (VCV002721493.3), dbSNP rs892805896, ClinGen allele CA405275590.